The following is an entry in ClinVar:

NM_005787.6(ALG3):c.1212C>G (p.Cys404Trp)

Gene: ALG3 (ALG3 alpha-1,3- mannosyltransferase; minus strand). Cytogenetic location: 3q27.1.
Variant type: single nucleotide variant.
Coding change: c.1212C>G on transcript NM_005787.6 (MANE Select); coding-DNA position 1212, C replaced by G.
Protein change: p.Cys404Trp; replaces cysteine 404 with tryptophan.
Molecular consequence: missense variant. On other transcripts: non-coding transcript variant (2).
Genome position (GRCh38, 1-based): chr3:184,242,619, G>C on the plus strand (C>G on the coding strand, the complement: ALG3 is on the minus strand). VCF-style: chr3-184242619-G-C. GRCh37 (hg19) VCF-style: chr3-183960407-G-C.
Other names: c.1212C>G (NM_005787.5); c.1068C>G, p.Cys356Trp (NM_001006941.2); c.1107C>G, p.Cys369Trp (NM_001006942.1); short protein forms C404W, C356W, C369W.
Identifiers: ClinVar variation 2159626 (VCV002159626.5), dbSNP rs933387419, ClinGen allele CA88876125.

ClinVar aggregate classification (germline): Uncertain significance. Review status: criteria provided, multiple submitters, no conflicts (2 of 4 stars). 2 submissions from 2 submitters: Uncertain significance (2). Last evaluated 2025-10-01.

Conditions:
Inborn genetic diseases. Identifiers: MedGen C0950123, MeSH D030342.
ALG3-congenital disorder of glycosylation. Also called: CONGENITAL DISORDER OF GLYCOSYLATION, TYPE Id; CARBOHYDRATE-DEFICIENT GLYCOPROTEIN SYNDROME, TYPE IV; CDGS, TYPE IV; CDG Id; ALG3-CDG. Identifiers: Orphanet 79321, MedGen C1832736, MONDO:0010998, OMIM 601110.

Submissions (2):

Labcorp Genetics (formerly Invitae), Labcorp
Classification: Uncertain significance for ALG3-congenital disorder of glycosylation. Last evaluated: 2025-10-01. Review status: criteria provided, single submitter. Criteria: Invitae Variant Classification Sherloc (09022015). Collection method: clinical testing. Allele origin: germline.
Comment: This sequence change replaces cysteine, which is neutral and slightly polar, with tryptophan, which is neutral and slightly polar, at codon 404 of the ALG3 protein (p.Cys404Trp). This variant is present in population databases (no rsID available, gnomAD no frequency). This variant has not been reported in the literature in individuals affected with ALG3-related conditions. ClinVar contains an entry for this variant (Variation ID: 2159626). Invitae Evidence Modeling of protein sequence and biophysical properties (such as structural, functional, and spatial information, amino acid conservation, physicochemical variation, residue mobility, and thermodynamic stability) indicates that this missense variant is not expected to disrupt ALG3 protein function with a negative predictive value of 80%. In summary, the available evidence is currently insufficient to determine the role of this variant in disease. Therefore, it has been classified as a Variant of Uncertain Significance.

Ambry Genetics
Classification: Uncertain significance for Inborn genetic diseases. Last evaluated: 2022-07-24. Review status: criteria provided, single submitter. Criteria: Ambry Variant Classification Scheme 2023. Collection method: clinical testing. Allele origin: germline.